The following is an entry in ClinVar:

NM_014141.6(CNTNAP2):c.103T>C (p.Cys35Arg)

Gene: CNTNAP2 (contactin associated protein 2; plus strand). Cytogenetic location: 7q35.
Variant type: single nucleotide variant.
Coding change: c.103T>C on transcript NM_014141.6 (MANE Select); coding-DNA position 103, T replaced by C.
Protein change: p.Cys35Arg; replaces cysteine 35 with arginine.
Molecular consequence: missense variant.
Genome position (GRCh38, 1-based): chr7:146,774,276, T>C. VCF-style: chr7-146774276-T-C. GRCh37 (hg19) VCF-style: chr7-146471368-T-C.
Other names: short protein forms C35R.
Identifiers: ClinVar variation 853606 (VCV000853606.7), dbSNP rs753486205, ClinGen allele CA4545699.

ClinVar aggregate classification (germline): Uncertain significance. Review status: criteria provided, multiple submitters, no conflicts (2 of 4 stars). 2 submissions from 2 submitters: Uncertain significance (2). Last evaluated 2021-09-01.

Conditions:
Cortical dysplasia-focal epilepsy syndrome (PTHSL1). Also called: Pitt-Hopkins-like syndrome 1. Identifiers: Orphanet 163681, Orphanet 221150, MedGen C2750246, MONDO:0012400, OMIM 610042.

Allele frequency attached by ClinVar (database versions not stated): gnomAD exomes below 0.00001 and 0.00001; TOPMed below 0.00001; ExAC 0.00001; gnomAD 0.00001.
gnomAD v4.1: 12 of 1,613,138 alleles (0.00074%); highest among the groups gnomAD compares: South Asian, 0.0044%; no homozygotes.

Submissions (2):

Labcorp Genetics (formerly Invitae), Labcorp
Classification: Uncertain significance for Cortical dysplasia-focal epilepsy syndrome. Last evaluated: 2021-09-01. Review status: criteria provided, single submitter. Criteria: Invitae Variant Classification Sherloc (09022015). Collection method: clinical testing. Allele origin: germline.
Comment: This sequence change replaces cysteine with arginine at codon 35 of the CNTNAP2 protein (p.Cys35Arg). The cysteine residue is moderately conserved and there is a large physicochemical difference between cysteine and arginine. This variant is present in population databases (rs753486205, ExAC 0.007%). This variant has not been reported in the literature in individuals affected with CNTNAP2-related conditions. Algorithms developed to predict the effect of missense changes on protein structure and function are either unavailable or do not agree on the potential impact of this missense change (SIFT: "Deleterious"; PolyPhen-2: "Benign"; Align-GVGD: "Class C0"). In summary, the available evidence is currently insufficient to determine the role of this variant in disease. Therefore, it has been classified as a Variant of Uncertain Significance.

Baylor Genetics
Classification: Uncertain significance for Cortical dysplasia-focal epilepsy syndrome. Last evaluated: 2018-08-17. Review status: criteria provided, single submitter. Criteria: ACMG Guidelines, 2015. Collection method: clinical testing. Allele origin: unknown. Affected: yes.
Comment: This variant was determined to be of uncertain significance according to ACMG Guidelines, 2015 [PMID:25741868].